The following is an entry in ClinVar:

ClinVar aggregate classification (germline): Uncertain significance (1 of 4 stars; one submission).

Submission:

GeneDx
Classification: Uncertain significance. Last evaluated: 2024-11-11. Review status: criteria provided, single submitter. Criteria: GeneDx Variant Classification Process June 2021. Collection method: clinical testing. Allele origin: germline. Affected: yes.
Comment: Not observed at significant frequency in large population cohorts (gnomAD); In silico analysis indicates that this missense variant does not alter protein structure/function; Has not been previously published as pathogenic or benign to our knowledge

NM_000474.4(TWIST1):c.215G>A (p.Gly72Asp)

Gene: TWIST1 (twist family bHLH transcription factor 1; minus strand). Cytogenetic location: 7p21.1.
Variant type: single nucleotide variant.
Coding change: c.215G>A on transcript NM_000474.4 (MANE Select); coding-DNA position 215, G replaced by A.
Protein change: p.Gly72Asp; replaces glycine 72 with aspartic acid.
Molecular consequence: missense variant. On other transcripts: non-coding transcript variant (1).
Genome position (GRCh38, 1-based): chr7:19,117,107, C>T on the plus strand (G>A on the coding strand, the complement: TWIST1 is on the minus strand). VCF-style: chr7-19117107-C-T. GRCh37 (hg19) VCF-style: chr7-19156730-C-T.
Other names: short protein forms G72D.
Identifiers: ClinVar variation 3898852 (VCV003898852.1).
Genomic context (GRCh38, chr7:19,117,107, plus strand): 5'-CCGCCGCCGCCGCCCGCGCCGCCGCCGCCGCCACAGCCCGCAGACTTCTTGCCGCGCTTG[C>T]CCTGGGCCGGGCTGCCCGGCTCGTCGCCGCCTCCGACGCCCCCACCCGCGGCTCCGCCGG-3'
Protein context (NP_000465.1, residues 62-82): GGDEPGSPAQ[Gly72Asp]KRGKKSAGCG